The following is an entry in ClinVar:

ClinVar aggregate classification (germline): Conflicting classifications of pathogenicity. Review status: criteria provided, conflicting classifications (1 of 4 stars). 5 submissions from 5 submitters: Likely pathogenic (3); Uncertain significance (2). Last evaluated 2022-11-29.

Conditions:
POLG-related disorder. Also called: POLG-Related Spectrum Disorders; POLG-related condition; POLG-Related Disorders. Identifiers: MedGen C4763519.
Progressive sclerosing poliodystrophy (MTDPS4A). Also called: Mitochondrial DNA Depletion Syndrome 4A; Alpers Syndrome; Alpers-Huttenlocher Syndrome (AHS); ALPERS DIFFUSE DEGENERATION OF CEREBRAL GRAY MATTER WITH HEPATIC CIRRHOSIS; NEURONAL DEGENERATION OF CHILDHOOD WITH LIVER DISEASE, PROGRESSIVE; Mitochondrial DNA depletion syndrome 4A (Alpers type). Identifiers: Orphanet 726, MedGen C0205710, MONDO:0008758, OMIM 203700.

Allele frequency attached by ClinVar (database versions not stated): gnomAD exomes below 0.00001.
gnomAD v4.1: 1 of 1,613,212 alleles (0.000062%); highest among the groups gnomAD compares: Non-Finnish European, 0.000085%; no homozygotes.

Submissions (5):

Labcorp Genetics (formerly Invitae), Labcorp
Classification: Likely pathogenic for Progressive sclerosing poliodystrophy. Last evaluated: 2022-11-29. Review status: criteria provided, single submitter. Criteria: Invitae Variant Classification Sherloc (09022015). Collection method: clinical testing. Allele origin: germline.
Comment: This sequence change replaces glycine, which is neutral and non-polar, with arginine, which is basic and polar, at codon 763 of the POLG protein (p.Gly763Arg). This variant is not present in population databases (gnomAD no frequency). In summary, the currently available evidence indicates that the variant is pathogenic, but additional data are needed to prove that conclusively. Therefore, this variant has been classified as Likely Pathogenic. Advanced modeling of protein sequence and biophysical properties (such as structural, functional, and spatial information, amino acid conservation, physicochemical variation, residue mobility, and thermodynamic stability) performed at Invitae indicates that this missense variant is expected to disrupt POLG protein function. ClinVar contains an entry for this variant (Variation ID: 586355). This missense change has been observed in individuals with autosomal recessive POLG-related conditions (PMID: 16715201, 27538604).

Illumina Laboratory Services, Illumina
Classification: Uncertain significance for POLG-related disorder. Last evaluated: 2021-11-18. Review status: criteria provided, single submitter. Criteria: ICSLVariantClassificationCriteria RUGD 01 April 2020. Collection method: clinical testing. Allele origin: unknown.
Comment: The POLG c.2287G>C (p.Gly763Arg) variant is a missense variant that has been reported in a homozygous state in two unrelated individuals. The first individual was affected with progressive weakness and wasting in both proximal and distal limb muscles, bilateral ptosis, ophthalmoparesis with residual minimal lateral movements, dysphonia, dysphagia, mild proximal weakness in all limbs, weak facial and neck flexor muscles, absent deep tendon reflexes in the lower limbs, bilateral pes cavus, reduced ankle vibration sense, and stocking hypoesthesia (Santoro et al. 2006). The second individual was affected with progressive external ophthalmoplegia, sensory neuropathy and gastrointestinal dysmotility (Bereau et al. 2016). This variant is not found in the Genome Aggregation Database version 2.1.1 or 3.1.2 in a region of good sequence coverage, so the variant is presumed to be rare. The Gly763 residue is located in the spacer domain, which is involved in binding to DNA (Euro et al. 2011). Based on the current evidence, the p.Gly763Arg variant is classified as a variant of uncertain significance for POLG-related spectrum disorders.

Blueprint Genetics
Classification: Likely pathogenic for POLG-related disorders. Last evaluated: 2021-04-21. Review status: criteria provided, single submitter. Criteria: ACMG Guidelines, 2015. Collection method: clinical testing. Allele origin: germline. Affected: yes. Observed: 1 variant allele.

GeneDx
Classification: Likely pathogenic. Last evaluated: 2020-05-21. Review status: criteria provided, single submitter. Criteria: GeneDx Variant Classification Process June 2021. Collection method: clinical testing. Allele origin: germline. Affected: yes.
Comment: Not observed in large population cohorts (Lek et al., 2016); In silico analysis supports that this missense variant has a deleterious effect on protein structure/function; This variant is associated with the following publications: (PMID: 27538604, 25525159, 16715201, 22805437)

Athena Diagnostics
Classification: Uncertain significance. Last evaluated: 2018-01-18. Review status: criteria provided, single submitter. Criteria: Athena Diagnostics Criteria. Collection method: clinical testing. Allele origin: germline.

Literature cited by the submitters: PubMed 16715201 (cited by 3 submitters); PubMed 27538604 (cited by 3 submitters); PubMed 21824913 (cited by Illumina Laboratory Services, Illumina); PubMed 25525159 (cited by Athena Diagnostics).

NM_002693.3(POLG):c.2287G>C (p.Gly763Arg)

Gene: POLG (DNA polymerase gamma, catalytic subunit; minus strand). Cytogenetic location: 15q26.1.
Variant type: single nucleotide variant.
Coding change: c.2287G>C on transcript NM_002693.3 (MANE Select); coding-DNA position 2287, G replaced by C.
Protein change: p.Gly763Arg; replaces glycine 763 with arginine.
Molecular consequence: missense variant.
Genome position (GRCh38, 1-based): chr15:89,322,881, C>G on the plus strand (G>C on the coding strand, the complement: POLG is on the minus strand). VCF-style: chr15-89322881-C-G. GRCh37 (hg19) VCF-style: chr15-89866112-C-G.
Other names: c.2287G>C, p.Gly763Arg (NM_001126131.2); short protein forms G763R.
Identifiers: ClinVar variation 586355 (VCV000586355.14), dbSNP rs1567187837, ClinGen allele CA393756558.